The following is an entry in ClinVar:

NM_001127178.3(PIGG):c.1614+4C>T

Gene: PIGG (phosphatidylinositol glycan anchor biosynthesis class G (EMM blood group); plus strand). Cytogenetic location: 4p16.3.
Variant type: single nucleotide variant.
Coding change: c.1614+4C>T on transcript NM_001127178.3 (MANE Select); 4 bases into the intron after coding-DNA position 1614, C replaced by T.
Molecular consequence: intron variant. On other transcripts: missense variant (1), 3 prime UTR variant (2), non-coding transcript variant (1).
Genome position (GRCh38, 1-based): chr4:521,945, C>T. VCF-style: chr4-521945-C-T. GRCh37 (hg19) VCF-style: chr4-515734-C-T.
Other names: c.1351C>T, p.Arg451Cys (NM_001289053.2); c.*180C>T (NM_001289055.2); c.*233C>T (NM_001289057.2); c.516+4C>T (NM_001345994.2); c.1347+4C>T (NM_001345986.2, NM_001289051.2); c.1323+4C>T (NM_001345987.2); c.81+4C>T (NM_001345991.2, NM_001345990.2); c.585+4C>T (NM_001345988.2); and 3 more; short protein forms R451C.
Identifiers: ClinVar variation 2072087 (VCV002072087.1), dbSNP rs377462432, ClinGen allele CA2793364.

ClinVar aggregate classification (germline): Uncertain significance (1 of 4 stars; one submission).

Conditions:
Intellectual disability, autosomal recessive 53 (NEDHSCA). Also called: GLYCOSYLPHOSPHATIDYLINOSITOL BIOSYNTHESIS DEFECT 13; Mental retardation, autosomal recessive 53; NEURODEVELOPMENTAL DISORDER WITH OR WITHOUT HYPOTONIA, SEIZURES, AND CEREBELLAR ATROPHY. Identifiers: Orphanet 488635, MedGen C4310794, MONDO:0014832, OMIM 616917.

gnomAD v4.1: 35 of 1,613,856 alleles (0.0022%); highest among the groups gnomAD compares: Middle Eastern, 0.016%; 2 homozygotes.

Submission:

Labcorp Genetics (formerly Invitae), Labcorp
Classification: Uncertain significance for Intellectual disability, autosomal recessive 53. Last evaluated: 2022-03-09. Review status: criteria provided, single submitter. Criteria: Invitae Variant Classification Sherloc (09022015). Collection method: clinical testing. Allele origin: germline.
Comment: This sequence change falls in intron 8 of the PIGG gene. It does not directly change the encoded amino acid sequence of the PIGG protein. It affects a nucleotide within the consensus splice site. This variant is present in population databases (rs377462432, gnomAD 0.009%). This variant has not been reported in the literature in individuals affected with PIGG-related conditions. Variants that disrupt the consensus splice site are a relatively common cause of aberrant splicing (PMID: 17576681, 9536098). Algorithms developed to predict the effect of sequence changes on RNA splicing suggest that this variant is not likely to affect RNA splicing. In summary, the available evidence is currently insufficient to determine the role of this variant in disease. Therefore, it has been classified as a Variant of Uncertain Significance.

Literature cited by the submitters: PubMed 17576681; PubMed 9536098.